The following is an entry in ClinVar:

NM_003906.5(MCM3AP):c.2919C>T (p.Pro973=)

Gene: MCM3AP (minichromosome maintenance complex component 3 associated protein; minus strand). Cytogenetic location: 21q22.3.
Variant type: single nucleotide variant.
Coding change: c.2919C>T on transcript NM_003906.5 (MANE Select); coding-DNA position 2919, C replaced by T.
Protein change: p.Pro973=; no amino-acid change (proline 973 retained).
Molecular consequence: synonymous variant.
Genome position (GRCh38, 1-based): chr21:46,266,037, G>A on the plus strand (C>T on the coding strand, the complement: MCM3AP is on the minus strand). VCF-style: chr21-46266037-G-A. GRCh37 (hg19) VCF-style: chr21-47685951-G-A.
Other names: c.2919C>T (NM_003906.4).
Identifiers: ClinVar variation 1671034 (VCV001671034.10), dbSNP rs777655746, ClinGen allele CA10076691.

ClinVar aggregate classification (germline): Likely benign. Review status: criteria provided, single submitter (1 of 4 stars). 2 submissions from 2 submitters: Likely benign (1). 1 of the submissions does not count toward it. Last evaluated 2025-11-26.

Conditions:
MCM3AP-related disorder. Also called: MCM3AP-related condition.

gnomAD v4.1: 256 of 1,611,428 alleles (0.016%); highest among the groups gnomAD compares: South Asian, 0.075%; 1 homozygote.

Submissions (2):

Labcorp Genetics (formerly Invitae), Labcorp
Classification: Likely benign. Last evaluated: 2025-11-26. Review status: criteria provided, single submitter. Criteria: Invitae Variant Classification Sherloc (09022015). Collection method: clinical testing. Allele origin: germline.

PreventionGenetics, part of Exact Sciences
Classification: Likely benign for MCM3AP-related condition. Last evaluated: 2019-07-30. Review status: no assertion criteria provided. Collection method: clinical testing. Allele origin: germline. Not counted in ClinVar's aggregate classification.
Comment: This variant is classified as likely benign based on ACMG/AMP sequence variant interpretation guidelines (Richards et al. 2015 PMID: 25741868, with internal and published modifications).